The following is an entry in ClinVar:

NM_004656.4(BAP1):c.1517C>T (p.Pro506Leu)

Gene: BAP1 (BRCA1 associated deubiquitinase 1; minus strand). Cytogenetic location: 3p21.1.
Variant type: single nucleotide variant.
Coding change: c.1517C>T on transcript NM_004656.4 (MANE Select); coding-DNA position 1517, C replaced by T.
Protein change: p.Pro506Leu; replaces proline 506 with leucine.
Molecular consequence: missense variant.
Genome position (GRCh38, 1-based): chr3:52,403,628, G>A on the plus strand (C>T on the coding strand, the complement: BAP1 is on the minus strand). VCF-style: chr3-52403628-G-A. GRCh37 (hg19) VCF-style: chr3-52437644-G-A.
Other names: c.1463C>T, p.Pro488Leu (NM_001410772.1); short protein forms P488L, P506L.
Identifiers: ClinVar variation 2840329 (VCV002840329.3), dbSNP rs1305587578, ClinGen allele CA353100864.

ClinVar aggregate classification (germline): Uncertain significance (1 of 4 stars; one submission).

Conditions:
BAP1-related tumor predisposition syndrome (TPDS1). Also called: BAP1 tumor predisposition syndrome; Tumor susceptibility linked to germline BAP1 mutations; COMMON Syndrome; TUMOR PREDISPOSITION SYNDROME 1. Identifiers: Orphanet 289539, MedGen C3280492, MONDO:0013692, OMIM 614327.

Allele frequency attached by ClinVar (database versions not stated): TOPMed below 0.00001; gnomAD 0.00001.
gnomAD v4.1: 1 of 1,613,948 alleles (0.000062%); highest among the groups gnomAD compares: Non-Finnish European, 0.000085%; no homozygotes.

Submission:

Labcorp Genetics (formerly Invitae), Labcorp
Classification: Uncertain significance for BAP1-related tumor predisposition syndrome. Last evaluated: 2023-02-24. Review status: criteria provided, single submitter. Criteria: Invitae Variant Classification Sherloc (09022015). Collection method: clinical testing. Allele origin: germline.
Comment: In summary, the available evidence is currently insufficient to determine the role of this variant in disease. Therefore, it has been classified as a Variant of Uncertain Significance. Advanced modeling of protein sequence and biophysical properties (such as structural, functional, and spatial information, amino acid conservation, physicochemical variation, residue mobility, and thermodynamic stability) performed at Invitae indicates that this missense variant is expected to disrupt BAP1 protein function. This variant has not been reported in the literature in individuals affected with BAP1-related conditions. This variant is not present in population databases (gnomAD no frequency). This sequence change replaces proline, which is neutral and non-polar, with leucine, which is neutral and non-polar, at codon 506 of the BAP1 protein (p.Pro506Leu).